The following is an entry in ClinVar:

NM_014629.4(ARHGEF10):c.3901G>A (p.Ala1301Thr)

Gene: ARHGEF10 (Rho guanine nucleotide exchange factor 10; plus strand). Cytogenetic location: 8p23.3.
Variant type: single nucleotide variant.
Coding change: c.3901G>A on transcript NM_014629.4 (MANE Select); coding-DNA position 3901, G replaced by A.
Protein change: p.Ala1301Thr; replaces alanine 1301 with threonine.
Molecular consequence: missense variant.
Genome position (GRCh38, 1-based): chr8:1,957,129, G>A. VCF-style: chr8-1957129-G-A. GRCh37 (hg19) VCF-style: chr8-1905295-G-A.
Other names: c.3787G>A, p.Ala1263Thr (NM_001308152.2); c.3901G>A, p.Ala1301Thr (NM_001308153.3); short protein forms A1263T, A1301T, A1325T.
Identifiers: ClinVar variation 3713702 (VCV003713702.2).

ClinVar aggregate classification (germline): Uncertain significance (1 of 4 stars; one submission).

gnomAD v4.1: 4 of 1,612,898 alleles (0.00025%); highest among the groups gnomAD compares: East Asian, 0.0022%; no homozygotes.

Submission:

Labcorp Genetics (formerly Invitae), Labcorp
Classification: Uncertain significance. Last evaluated: 2024-10-15. Review status: criteria provided, single submitter. Criteria: Invitae Variant Classification Sherloc (09022015). Collection method: clinical testing. Allele origin: germline.
Comment: This sequence change replaces alanine, which is neutral and non-polar, with threonine, which is neutral and polar, at codon 1301 of the ARHGEF10 protein (p.Ala1301Thr). This variant is not present in population databases (gnomAD no frequency). This variant has not been reported in the literature in individuals affected with ARHGEF10-related conditions. Invitae Evidence Modeling of protein sequence and biophysical properties (such as structural, functional, and spatial information, amino acid conservation, physicochemical variation, residue mobility, and thermodynamic stability) indicates that this missense variant is not expected to disrupt ARHGEF10 protein function with a negative predictive value of 80%. In summary, the available evidence is currently insufficient to determine the role of this variant in disease. Therefore, it has been classified as a Variant of Uncertain Significance.